The following is an entry in ClinVar:

ClinVar aggregate classification (germline): Uncertain significance. Review status: criteria provided, multiple submitters, no conflicts (2 of 4 stars). 2 submissions from 2 submitters: Uncertain significance (2). Last evaluated 2023-02-22.

gnomAD v4.1: 2 of 1,552,136 alleles (0.00013%); highest among the groups gnomAD compares: African/African-American, 0.0014%; no homozygotes.

Submissions (2):

GeneDx
Classification: Uncertain significance. Last evaluated: 2023-02-22. Review status: criteria provided, single submitter. Criteria: GeneDx Variant Classification Process June 2021. Collection method: clinical testing. Allele origin: germline.
Comment: Not observed at significant frequency in large population cohorts (gnomAD); Canonical splice site variant in a gene or region of a gene for which loss of function is not a well-established mechanism of disease; Has not been previously published as pathogenic or benign to our knowledge; Variants in candidate genes are classified as variants of uncertain significance in accordance with ACMG guidelines (Richards et al., 2015)

Blueprint Genetics
Classification: Uncertain significance. Last evaluated: 2022-03-09. Review status: criteria provided, single submitter. Criteria: ACMG Guidelines, 2015. Collection method: clinical testing. Allele origin: germline.

NM_001572.5(IRF7):c.847+2T>C

Gene: IRF7 (interferon regulatory factor 7; minus strand). Cytogenetic location: 11p15.5.
Variant type: single nucleotide variant.
Coding change: c.847+2T>C on transcript NM_001572.5 (MANE Select); the canonical splice donor site of the intron after coding-DNA position 847, T replaced by C.
Molecular consequence: splice donor variant.
Genome position (GRCh38, 1-based): chr11:613,783, A>G on the plus strand (T>C on the coding strand, the complement: IRF7 is on the minus strand). VCF-style: chr11-613783-A-G. GRCh37 (hg19) VCF-style: chr11-613783-A-G.
Other names: c.475+2T>C (NM_001440446.1); c.757+2T>C (NM_001440445.1); c.844+2T>C (NM_001440442.1); c.760+2T>C (NM_004029.4); c.883+2T>C (NM_001440440.1); c.799+2T>C (NM_001440444.1); c.886+2T>C (NM_004031.4).
Identifiers: ClinVar variation 4891334 (VCV004891334.1).